The following is an entry in ClinVar:

NM_025137.4(SPG11):c.4939C>T (p.Gln1647Ter)

Gene: SPG11 (SPG11 vesicle trafficking associated, spatacsin; minus strand). Cytogenetic location: 15q21.1.
Variant type: single nucleotide variant.
Coding change: c.4939C>T on transcript NM_025137.4 (MANE Select); coding-DNA position 4939, C replaced by T.
Protein change: p.Gln1647Ter; replaces glutamine 1647 with a stop codon.
Molecular consequence: nonsense.
Genome position (GRCh38, 1-based): chr15:44,585,818, G>A on the plus strand (C>T on the coding strand, the complement: SPG11 is on the minus strand). VCF-style: chr15-44585818-G-A. GRCh37 (hg19) VCF-style: chr15-44878016-G-A.
Other names: c.4939C>T, p.Gln1647Ter (NM_001160227.2); short protein forms Q1647*.
Identifiers: ClinVar variation 1071977 (VCV001071977.7), dbSNP rs959026057, ClinGen allele CA270081941.

ClinVar aggregate classification (germline): Pathogenic (1 of 4 stars; one submission).

Conditions:
Hereditary spastic paraplegia 11. Also called: SPASTIC PARAPLEGIA, AUTOSOMAL RECESSIVE, COMPLICATED, WITH THIN CORPUS CALLOSUM; SPASTIC PARAPLEGIA, AUTOSOMAL RECESSIVE, WITH MENTAL IMPAIRMENT AND THIN CORPUS CALLOSUM; Nakamura Osame syndrome; Autosomal recessive hereditary spastic paraplegia, mental impairment, and thin corpus callosum; Spastic paraplegia, mental retardation and thin corpus callosum; Spastic Paraplegia 11. Identifiers: Orphanet 2822, MedGen C1858479, MONDO:0011445, OMIM 604360.

Allele frequency attached by ClinVar (database versions not stated): gnomAD exomes below 0.00001; gnomAD 0.00001; TOPMed 0.00002.
gnomAD v4.1: 1 of 1,613,720 alleles (0.000062%); highest among the groups gnomAD compares: African/African-American, 0.0013%; no homozygotes.

Submission:

Labcorp Genetics (formerly Invitae), Labcorp
Classification: Pathogenic for Hereditary spastic paraplegia 11. Last evaluated: 2020-03-12. Review status: criteria provided, single submitter. Criteria: Invitae Variant Classification Sherloc (09022015). Collection method: clinical testing. Allele origin: germline.
Comment: This sequence change creates a premature translational stop signal (p.Gln1647*) in the SPG11 gene. It is expected to result in an absent or disrupted protein product. This variant is not present in population databases (ExAC no frequency). This variant has not been reported in the literature in individuals with SPG11-related conditions. Loss-of-function variants in SPG11 are known to be pathogenic (PMID: 19105190, 20110243, 22154821). For these reasons, this variant has been classified as Pathogenic.

Literature cited by the submitters: PubMed 19105190; PubMed 20110243; PubMed 22154821.